The following is an entry in ClinVar:

ClinVar aggregate classification (germline): Benign. Review status: criteria provided, multiple submitters, no conflicts (2 of 4 stars). 2 submissions from 2 submitters: Benign (2). Last evaluated 2023-11-12.

Allele frequency attached by ClinVar (database versions not stated): gnomAD 0.95974 and 0.95669; 1000 Genomes Project 30x 0.95737; TOPMed 0.95467; 1000 Genomes Project 0.95986; gnomAD exomes 0.99461.
gnomAD v4.1: 536,598 of 544,948 alleles (98%); highest among the groups gnomAD compares: East Asian, 100%; 264,626 homozygotes.

Submissions (2):

Unidad de Genómica Garrahan, Hospital de Pediatría Garrahan
Classification: Benign. Last evaluated: 2023-11-12. Review status: criteria provided, single submitter. Criteria: ACMG Guidelines, 2015. Collection method: clinical testing. Allele origin: germline. Affected: no. Observed: 83 variant alleles.
Comment: This variant is classified as Benign based on local population frequency. This variant was detected in 86% of patients studied by a panel of primary immunodeficiencies. Number of patients: 83. Only high quality variants are reported.

GeneDx
Classification: Benign. Last evaluated: 2021-06-19. Review status: criteria provided, single submitter. Criteria: GeneDx Variant Classification Process June 2021. Collection method: clinical testing. Allele origin: germline. Affected: yes.

NM_001364905.1(LRBA):c.1756-140G>A

Gene: LRBA (LPS responsive beige-like anchor protein; minus strand). Cytogenetic location: 4q31.3.
Variant type: single nucleotide variant.
Coding change: c.1756-140G>A on transcript NM_001364905.1 (MANE Select); 140 bases into the intron before coding-DNA position 1756, G replaced by A.
Molecular consequence: intron variant.
Genome position (GRCh38, 1-based): chr4:150,900,357, C>T on the plus strand (G>A on the coding strand, the complement: LRBA is on the minus strand). VCF-style: chr4-150900357-C-T. GRCh37 (hg19) VCF-style: chr4-151821509-C-T.
Other names: c.1756-140G>A (NM_001367550.1, NM_006726.5, NM_001199282.3 and 2 more transcripts).
Identifiers: ClinVar variation 1283841 (VCV001283841.3), dbSNP rs1148648, ClinGen allele CA107816555.
Genomic context (GRCh38, chr4:150,900,357, plus strand): 5'-TTTCACCACGCTTCTTCCAAAAAGTAAGATGCTGAGCCTGATAATAATATCCATATTAGA[C>T]AACACATACTCACTGACACACAAGCACATGCACACACACTCCTTATAAAACCAAACCAGG-3'